The following is an entry in ClinVar:

ClinVar aggregate classification (germline): Uncertain significance (1 of 4 stars; one submission).

gnomAD v4.1: 1 of 1,614,234 alleles (0.000062%); highest among the groups gnomAD compares: South Asian, 0.0011%; no homozygotes.

Submission:

Labcorp Genetics (formerly Invitae), Labcorp
Classification: Uncertain significance. Last evaluated: 2025-05-17. Review status: criteria provided, single submitter. Criteria: Invitae Variant Classification Sherloc (09022015). Collection method: clinical testing. Allele origin: germline.
Comment: This sequence change replaces glutamine, which is neutral and polar, with histidine, which is basic and polar, at codon 413 of the ACO2 protein (p.Gln413His). This variant is present in population databases (no rsID available, gnomAD 0.003%). This variant has not been reported in the literature in individuals affected with ACO2-related conditions. Invitae Evidence Modeling of protein sequence and biophysical properties (such as structural, functional, and spatial information, amino acid conservation, physicochemical variation, residue mobility, and thermodynamic stability) indicates that this missense variant is not expected to disrupt ACO2 protein function with a negative predictive value of 80%. In summary, the available evidence is currently insufficient to determine the role of this variant in disease. Therefore, it has been classified as a Variant of Uncertain Significance.

NM_001098.3(ACO2):c.1239G>T (p.Gln413His)

Gene: ACO2 (aconitase 2; plus strand). Cytogenetic location: 22q13.2.
Variant type: single nucleotide variant.
Coding change: c.1239G>T on transcript NM_001098.3 (MANE Select); coding-DNA position 1239, G replaced by T.
Protein change: p.Gln413His; replaces glutamine 413 with histidine.
Molecular consequence: missense variant.
Genome position (GRCh38, 1-based): chr22:41,522,930, G>T. VCF-style: chr22-41522930-G-T. GRCh37 (hg19) VCF-style: chr22-41918934-G-T.
Other names: short protein forms Q413H.
Identifiers: ClinVar variation 4743170 (VCV004743170.1).